The following is an entry in ClinVar:

NM_006514.4(SCN10A):c.3664G>C (p.Asp1222His)

Gene: SCN10A (sodium voltage-gated channel alpha subunit 10; minus strand). Cytogenetic location: 3p22.2.
Variant type: single nucleotide variant.
Coding change: c.3664G>C on transcript NM_006514.4 (MANE Select); coding-DNA position 3664, G replaced by C.
Protein change: p.Asp1222His; replaces aspartic acid 1222 with histidine.
Molecular consequence: missense variant.
Genome position (GRCh38, 1-based): chr3:38,718,670, C>G on the plus strand (G>C on the coding strand, the complement: SCN10A is on the minus strand). VCF-style: chr3-38718670-C-G. GRCh37 (hg19) VCF-style: chr3-38760161-C-G.
Other names: c.3661G>C, p.Asp1221His (NM_001293306.2); c.3370G>C, p.Asp1124His (NM_001293307.2); short protein forms D1222H, D1124H, D1221H.
Identifiers: ClinVar variation 1502033 (VCV001502033.8), dbSNP rs759804091, ClinGen allele CA2320177.

ClinVar aggregate classification (germline): Uncertain significance (1 of 4 stars; one submission).

Conditions:
Brugada syndrome. Also called: Sudden unexpected nocturnal death syndrome; Sudden unexplained nocturnal death syndrome; Sudden Unexplained Death Syndrome; Sudden Unexplained Nocturnal Death Syndrome (SUNDS). Identifiers: Orphanet 130, MedGen C1142166, MONDO:0015263.

Allele frequency attached by ClinVar (database versions not stated): TOPMed below 0.00001.
gnomAD v4.1: 6 of 1,614,172 alleles (0.00037%); highest among the groups gnomAD compares: Admixed American, 0.0083%; no homozygotes.

Submission:

Labcorp Genetics (formerly Invitae), Labcorp
Classification: Uncertain significance for Brugada syndrome. Last evaluated: 2024-11-24. Review status: criteria provided, single submitter. Criteria: Invitae Variant Classification Sherloc (09022015). Collection method: clinical testing. Allele origin: germline.
Comment: This sequence change replaces aspartic acid, which is acidic and polar, with histidine, which is basic and polar, at codon 1222 of the SCN10A protein (p.Asp1222His). This variant is present in population databases (rs759804091, gnomAD 0.009%). This variant has not been reported in the literature in individuals affected with SCN10A-related conditions. ClinVar contains an entry for this variant (Variation ID: 1502033). Invitae Evidence Modeling of protein sequence and biophysical properties (such as structural, functional, and spatial information, amino acid conservation, physicochemical variation, residue mobility, and thermodynamic stability) indicates that this missense variant is expected to disrupt SCN10A protein function with a positive predictive value of 80%. In summary, the available evidence is currently insufficient to determine the role of this variant in disease. Therefore, it has been classified as a Variant of Uncertain Significance.